The following is an entry in ClinVar:

NM_000552.5(VWF):c.8317T>G (p.Cys2773Gly)

Gene: VWF (von Willebrand factor; minus strand). Cytogenetic location: 12p13.31.
Variant type: single nucleotide variant.
Coding change: c.8317T>G on transcript NM_000552.5 (MANE Select); coding-DNA position 8317, T replaced by G.
Protein change: p.Cys2773Gly; replaces cysteine 2773 with glycine.
Molecular consequence: missense variant.
Genome position (GRCh38, 1-based): chr12:5,949,140, A>C on the plus strand (T>G on the coding strand, the complement: VWF is on the minus strand). VCF-style: chr12-5949140-A-C. GRCh37 (hg19) VCF-style: chr12-6058306-A-C.
Other names: short protein forms C2773G.
Identifiers: ClinVar variation 3768557 (VCV003768557.1).

ClinVar aggregate classification (germline): Uncertain significance (1 of 4 stars; one submission).

Submission:

Women's Health and Genetics/Laboratory Corporation of America, LabCorp
Classification: Uncertain significance. Last evaluated: 2024-12-17. Review status: criteria provided, single submitter. Criteria: LabCorp Variant Classification Summary - May 2015. Collection method: clinical testing. Allele origin: germline.
Comment: Variant summary: VWF c.8317T>G (p.Cys2773Gly) results in a non-conservative amino acid change located in the C-terminal cystine knot-like domain (IPR006207) of the encoded protein sequence. Five of five in-silico tools predict a damaging effect of the variant on protein function. The variant was absent in 251310 control chromosomes. The available data on variant occurrences in the general population are insufficient to allow any conclusion about variant significance. To our knowledge, no occurrence of c.8317T>G in individuals affected with Von Willebrand Disease and no experimental evidence demonstrating its impact on protein function have been reported. No submitters have cited clinical-significance assessments for this variant to ClinVar. Based on the evidence outlined above, the variant was classified as uncertain significance.